The following is an entry in ClinVar:

NM_198253.3(TERT):c.1573+8G>A

Gene: TERT (telomerase reverse transcriptase; minus strand). Cytogenetic location: 5p15.33.
Variant type: single nucleotide variant.
Coding change: c.1573+8G>A on transcript NM_198253.3 (MANE Select); 8 bases into the intron after coding-DNA position 1573, G replaced by A.
Molecular consequence: intron variant.
Genome position (GRCh38, 1-based): chr5:1,293,305, C>T on the plus strand (G>A on the coding strand, the complement: TERT is on the minus strand). VCF-style: chr5-1293305-C-T. GRCh37 (hg19) VCF-style: chr5-1293420-C-T.
Other names: c.1573+8G>A (NM_001193376.3).
Identifiers: ClinVar variation 4991156 (VCV004991156.1).

ClinVar aggregate classification (germline): Likely benign (1 of 4 stars; one submission).

Conditions:
TERT-related disorder. Also called: TERT-related disorders; TERT-related condition.

Submission:

PreventionGenetics, part of Exact Sciences
Classification: Likely benign for TERT-related condition. Last evaluated: 2025-12-12. Review status: criteria provided, single submitter. Criteria: ACMG Guidelines, 2015. Collection method: clinical testing. Allele origin: germline.
Comment: This variant is classified as likely benign based on ACMG/AMP sequence variant interpretation guidelines (Richards et al. 2015 PMID: 25741868, with internal and published modifications).